The following is an entry in ClinVar:

NM_001080517.3(SETD5):c.1106T>C (p.Ile369Thr)

Gene: SETD5 (SET domain containing 5; plus strand). Cytogenetic location: 3p25.3.
Variant type: single nucleotide variant.
Coding change: c.1106T>C on transcript NM_001080517.3 (MANE Select); coding-DNA position 1106, T replaced by C.
Protein change: p.Ile369Thr; replaces isoleucine 369 with threonine.
Molecular consequence: missense variant.
Genome position (GRCh38, 1-based): chr3:9,443,336, T>C. VCF-style: chr3-9443336-T-C. GRCh37 (hg19) VCF-style: chr3-9485020-T-C.
Other names: c.812T>C, p.Ile271Thr (NM_001292043.2, NM_001349451.2); short protein forms I271T, I369T.
Identifiers: ClinVar variation 1304421 (VCV001304421.2), dbSNP rs2125212282, ClinGen allele CA351690028.

ClinVar aggregate classification (germline): Uncertain significance (1 of 4 stars; one submission).

Allele frequency attached by ClinVar (database versions not stated): gnomAD exomes below 0.00001.
gnomAD v4.1: 1 of 1,549,232 alleles (0.000065%); highest among the groups gnomAD compares: Non-Finnish European, 0.000087%; no homozygotes.

Submission:

GeneDx
Classification: Uncertain significance. Last evaluated: 2019-11-04. Review status: criteria provided, single submitter. Criteria: GeneDx Variant Classification Process June 2021. Collection method: clinical testing. Allele origin: germline. Affected: yes.
Comment: Not observed in large population cohorts (Lek et al., 2016); In silico analysis, which includes protein predictors and evolutionary conservation, supports a deleterious effect; Has not been previously published as pathogenic or benign to our knowledge